The following is an entry in ClinVar:

NM_004304.5(ALK):c.1875T>G (p.Phe625Leu)

Gene: ALK (ALK receptor tyrosine kinase; minus strand). Cytogenetic location: 2p23.2.
Variant type: single nucleotide variant.
Coding change: c.1875T>G on transcript NM_004304.5 (MANE Select); coding-DNA position 1875, T replaced by G.
Protein change: p.Phe625Leu; replaces phenylalanine 625 with leucine.
Molecular consequence: missense variant.
Genome position (GRCh38, 1-based): chr2:29,275,439, A>C on the plus strand (T>G on the coding strand, the complement: ALK is on the minus strand). VCF-style: chr2-29275439-A-C. GRCh37 (hg19) VCF-style: chr2-29498305-A-C.
Other names: short protein forms F625L.
Identifiers: ClinVar variation 538226 (VCV000538226.15), dbSNP rs1553402765, ClinGen allele CA346479933.

ClinVar aggregate classification (germline): Uncertain significance. Review status: criteria provided, multiple submitters, no conflicts (2 of 4 stars). 4 submissions from 4 submitters: Uncertain significance (4). Last evaluated 2025-12-08.

Conditions:
Neuroblastoma, susceptibility to, 3. Also called: ALK-Related Neuroblastic Tumor Susceptibility. Identifiers: Orphanet 635, MedGen C2751681, MONDO:0013083, OMIM 613014.
Hereditary cancer-predisposing syndrome. Also called: Neoplastic Syndromes, Hereditary; Tumor predisposition; Hereditary Cancer Syndrome; Hereditary neoplastic syndrome. Identifiers: Orphanet 140162, MedGen C0027672, MeSH D009386, MONDO:0015356.

Allele frequency attached by ClinVar (database versions not stated): gnomAD exomes below 0.00001.
gnomAD v4.1: 6 of 1,614,142 alleles (0.00037%); highest among the groups gnomAD compares: Non-Finnish European, 0.00051%; no homozygotes.

Submissions (4):

Labcorp Genetics (formerly Invitae), Labcorp
Classification: Uncertain significance for Neuroblastoma, susceptibility to, 3. Last evaluated: 2025-12-08. Review status: criteria provided, single submitter. Criteria: Invitae Variant Classification Sherloc (09022015). Collection method: clinical testing. Allele origin: germline.
Comment: This sequence change replaces phenylalanine, which is neutral and non-polar, with leucine, which is neutral and non-polar, at codon 625 of the ALK protein (p.Phe625Leu). This variant is not present in population databases (gnomAD no frequency). This variant has not been reported in the literature in individuals affected with ALK-related conditions. ClinVar contains an entry for this variant (Variation ID: 538226). An algorithm developed to predict the effect of missense changes on protein structure and function (PolyPhen-2) suggests that this variant is likely to be disruptive. In summary, the available evidence is currently insufficient to determine the role of this variant in disease. Therefore, it has been classified as a Variant of Uncertain Significance.

Ambry Genetics
Classification: Uncertain significance for Hereditary cancer-predisposing syndrome. Last evaluated: 2024-08-19. Review status: criteria provided, single submitter. Criteria: Ambry Variant Classification Scheme 2023. Collection method: clinical testing. Allele origin: germline.
Comment: The p.F625L variant (also known as c.1875T>G), located in coding exon 10 of the ALK gene, results from a T to G substitution at nucleotide position 1875. The phenylalanine at codon 625 is replaced by leucine, an amino acid with highly similar properties. This amino acid position is conserved. In addition, this alteration is predicted to be tolerated by in silico analysis. Since supporting evidence is limited at this time, the clinical significance of this alteration remains unclear.

GeneDx
Classification: Uncertain significance. Last evaluated: 2024-01-22. Review status: criteria provided, single submitter. Criteria: GeneDx Variant Classification Process June 2021. Collection method: clinical testing. Allele origin: germline. Affected: yes.
Comment: Not observed at significant frequency in large population cohorts (gnomAD); In silico analysis supports that this missense variant does not alter protein structure/function; Has not been previously published as pathogenic or benign to our knowledge

St. Jude Molecular Pathology, St. Jude Children's Research Hospital
Classification: Uncertain significance for Neuroblastoma, susceptibility to, 3. Last evaluated: 2023-07-06. Review status: criteria provided, single submitter. Criteria: St. Jude Assertion Criteria 2020. Collection method: clinical testing. Allele origin: germline.
Comment: The ALK c.1875T>G (p.Phe625Leu) missense change is absent in gnomAD v2.1.1. The in silico tool REVEL predicts a benign effect on protein function, but to our knowledge this prediction has not been confirmed by functional studies. To our knowledge, this variant has not been reported in the literature in individuals with ALK-related neuroblastic tumor susceptibility. In summary, the evidence currently available is insufficient to determine the clinical significance of this variant. It has therefore been classified as of uncertain significance.